The following is an entry in ClinVar:

NM_001397406.1(FDX2):c.76A>G (p.Arg26Gly)

Genes: FDX2 (ferredoxin 2; minus strand), FDX2-ZGLP1 (FDX2-ZGLP1 readthrough (NMD candidate); minus strand). Cytogenetic location: 19p13.2.
Variant type: single nucleotide variant.
Coding change: c.76A>G on transcript NM_001397406.1 (MANE Select); coding-DNA position 76, A replaced by G.
Protein change: p.Arg26Gly; replaces arginine 26 with glycine.
Molecular consequence: missense variant. On other transcripts: non-coding transcript variant (2).
Genome position (GRCh38, 1-based): chr19:10,315,921, T>C on the plus strand (A>G on the coding strand, the complement: FDX2 is on the minus strand). VCF-style: chr19-10315921-T-C. GRCh37 (hg19) VCF-style: chr19-10426597-T-C.
Other names: p.Arg29Gly; c.85A>G (NM_001031734.4); short protein forms R26G.
Identifiers: ClinVar variation 380450 (VCV000380450.12), dbSNP rs62640397, ClinGen allele CA9191361.

ClinVar aggregate classification (germline): Benign. Review status: criteria provided, multiple submitters, no conflicts (2 of 4 stars). 4 submissions from 4 submitters: Benign (4). Last evaluated 2026-02-02.

Allele frequency attached by ClinVar (database versions not stated): 1000 Genomes Project 30x 0.01999; 1000 Genomes Project 0.02117; ESP Exome Variant Server 0.02346; TOPMed 0.02444; gnomAD 0.02963 and 0.03029; gnomAD exomes 0.03395 and 0.03968; ExAC 0.03477.

Submissions (4):

Labcorp Genetics (formerly Invitae), Labcorp
Classification: Benign. Last evaluated: 2026-02-02. Review status: criteria provided, single submitter. Criteria: Invitae Variant Classification Sherloc (09022015). Collection method: clinical testing. Allele origin: germline.

Mayo Clinic Laboratories, Mayo Clinic
Classification: Benign. Last evaluated: 2022-11-13. Review status: criteria provided, single submitter. Criteria: ACMG Guidelines, 2015. Collection method: clinical testing. Allele origin: germline. Observed: 39 variant alleles.

GeneDx
Classification: Benign. Last evaluated: 2016-02-10. Review status: criteria provided, single submitter. Criteria: GeneDx Variant Classification (06012015). Collection method: clinical testing. Allele origin: germline. Affected: yes.
Comment: This variant is considered likely benign or benign based on one or more of the following criteria: it is a conservative change, it occurs at a poorly conserved position in the protein, it is predicted to be benign by multiple in silico algorithms, and/or has population frequency not consistent with disease.

Breakthrough Genomics
Classification: Benign. Review status: criteria provided, single submitter. Criteria: ACMG Guidelines, 2015. Collection method: not provided. Allele origin: germline. Inheritance: Autosomal recessive inheritance. Affected: yes.